The following is an entry in ClinVar:

NM_001378454.1(ALMS1):c.115G>A (p.Asp39Asn)

Gene: ALMS1 (ALMS1 centrosome and basal body associated protein; plus strand). Cytogenetic location: 2p13.1.
Variant type: single nucleotide variant.
Coding change: c.115G>A on transcript NM_001378454.1 (MANE Select); coding-DNA position 115, G replaced by A.
Protein change: p.Asp39Asn; replaces aspartic acid 39 with asparagine.
Molecular consequence: missense variant.
Genome position (GRCh38, 1-based): chr2:73,385,983, G>A. VCF-style: chr2-73385983-G-A. GRCh37 (hg19) VCF-style: chr2-73613111-G-A.
Other names: c.118G>A, p.Asp40Asn (NM_015120.4); short protein forms D39N, D40N.
Identifiers: ClinVar variation 2965857 (VCV002965857.4), dbSNP rs2104058286, ClinGen allele CA347250636.

ClinVar aggregate classification (germline): Conflicting classifications of pathogenicity. Review status: criteria provided, conflicting classifications (1 of 4 stars). 2 submissions from 2 submitters: Uncertain significance (1); Likely benign (1). Last evaluated 2025-11-05.

Conditions:
Cardiovascular phenotype. Identifiers: MedGen CN230736.
Alstrom syndrome (ALMS). Identifiers: Orphanet 64, MedGen C0268425, MONDO:0008763, OMIM 203800.

Submissions (2):

Ambry Genetics
Classification: Likely benign for Cardiovascular phenotype. Last evaluated: 2025-11-05. Review status: criteria provided, single submitter. Criteria: Ambry Variant Classification Scheme 2023. Collection method: clinical testing. Allele origin: germline.

Labcorp Genetics (formerly Invitae), Labcorp
Classification: Uncertain significance for Alstrom syndrome. Last evaluated: 2023-11-15. Review status: criteria provided, single submitter. Criteria: Invitae Variant Classification Sherloc (09022015). Collection method: clinical testing. Allele origin: germline.
Comment: This sequence change replaces aspartic acid, which is acidic and polar, with asparagine, which is neutral and polar, at codon 40 of the ALMS1 protein (p.Asp40Asn). This variant is not present in population databases (gnomAD no frequency). This variant has not been reported in the literature in individuals affected with ALMS1-related conditions. Experimental studies and prediction algorithms are not available or were not evaluated, and the functional significance of this variant is currently unknown. In summary, the available evidence is currently insufficient to determine the role of this variant in disease. Therefore, it has been classified as a Variant of Uncertain Significance.